The following is an entry in ClinVar:

NM_001017995.3(SH3PXD2B):c.1343G>A (p.Arg448Gln)

Gene: SH3PXD2B (SH3 and PX domains 2B; minus strand). Cytogenetic location: 5q35.1.
Variant type: single nucleotide variant.
Coding change: c.1343G>A on transcript NM_001017995.3 (MANE Select); coding-DNA position 1343, G replaced by A.
Protein change: p.Arg448Gln; replaces arginine 448 with glutamine.
Molecular consequence: missense variant. On other transcripts: intron variant (1).
Genome position (GRCh38, 1-based): chr5:172,339,762, C>T on the plus strand (G>A on the coding strand, the complement: SH3PXD2B is on the minus strand). VCF-style: chr5-172339762-C-T. GRCh37 (hg19) VCF-style: chr5-171766766-C-T.
Other names: c.1188+6374G>A (NM_001308175.2); c.1343G>A (NM_001017995.2); short protein forms R448Q.
Identifiers: ClinVar variation 1440466 (VCV001440466.4), dbSNP rs141993560, ClinGen allele CA3561210.
Genomic context (GRCh38, chr5:172,339,762, plus strand): 5'-CGGGAGGGGCCCGTGGCTTCGCTGCCCGTGTTGTTCTCCAGCGCTGCTGCTTCCCCCAGC[C>T]GGAGCTGGGTCACCTCGTGGGGCAGGGGAGCCAGAAAGTTGGGTCTCGACGCGTTGCTCG-3'
Protein context (NP_001017995.1, residues 438-458): APLPHEVTQL[Arg448Gln]LGEAAALENN

ClinVar aggregate classification (germline): Conflicting classifications of pathogenicity. Review status: criteria provided, conflicting classifications (1 of 4 stars). 2 submissions from 2 submitters: Uncertain significance (1); Likely benign (1). Last evaluated 2024-01-03.

Conditions:
Inborn genetic diseases. Identifiers: MedGen C0950123, MeSH D030342.

Allele frequency attached by ClinVar (database versions not stated): ExAC 0.00005; gnomAD exomes 0.00005; ESP Exome Variant Server 0.00015; gnomAD 0.00019 and 0.00021; TOPMed 0.00021.
gnomAD v4.1: 102 of 1,613,068 alleles (0.0063%); highest among the groups gnomAD compares: African/African-American, 0.056%; no homozygotes.

Submissions (2):

Ambry Genetics
Classification: Likely benign for Inborn genetic diseases. Last evaluated: 2024-01-03. Review status: criteria provided, single submitter. Criteria: Ambry Variant Classification Scheme 2023. Collection method: clinical testing. Allele origin: germline.

Labcorp Genetics (formerly Invitae), Labcorp
Classification: Uncertain significance. Last evaluated: 2022-06-20. Review status: criteria provided, single submitter. Criteria: Invitae Variant Classification Sherloc (09022015). Collection method: clinical testing. Allele origin: germline.
Comment: This sequence change replaces arginine, which is basic and polar, with glutamine, which is neutral and polar, at codon 448 of the SH3PXD2B protein (p.Arg448Gln). This variant is present in population databases (rs141993560, gnomAD 0.05%). This variant has not been reported in the literature in individuals affected with SH3PXD2B-related conditions. Algorithms developed to predict the effect of missense changes on protein structure and function (SIFT, PolyPhen-2, Align-GVGD) all suggest that this variant is likely to be tolerated. In summary, the available evidence is currently insufficient to determine the role of this variant in disease. Therefore, it has been classified as a Variant of Uncertain Significance.